The following is an entry in ClinVar:

ClinVar aggregate classification (germline): Uncertain significance. Review status: criteria provided, multiple submitters, no conflicts (2 of 4 stars). 3 submissions from 3 submitters: Uncertain significance (3). Last evaluated 2025-11-20.

Conditions:
Inborn genetic diseases. Identifiers: MedGen C0950123, MeSH D030342.
Facioscapulohumeral muscular dystrophy 2 (FSHD2). Also called: MUSCULAR DYSTROPHY, FACIOSCAPULOHUMERAL, TYPE 1B; FACIOSCAPULOHUMERAL MUSCULAR DYSTROPHY 2, DIGENIC; FSHD2, DIGENIC. Identifiers: Orphanet 269, MedGen C1834671, MONDO:0008031, OMIM 158901.

Allele frequency attached by ClinVar (database versions not stated): gnomAD exomes below 0.00001; TOPMed below 0.00001; gnomAD 0.00001; 1000 Genomes Project 30x 0.00016.
gnomAD v4.1: 7 of 1,502,502 alleles (0.00047%); highest among the groups gnomAD compares: Non-Finnish European, 0.00044%; no homozygotes.

Submissions (3):

Labcorp Genetics (formerly Invitae), Labcorp
Classification: Uncertain significance for Facioscapulohumeral muscular dystrophy 2. Last evaluated: 2025-11-20. Review status: criteria provided, single submitter. Criteria: Invitae Variant Classification Sherloc (09022015). Collection method: clinical testing. Allele origin: germline.
Comment: This sequence change replaces alanine, which is neutral and non-polar, with threonine, which is neutral and polar, at codon 54 of the SMCHD1 protein (p.Ala54Thr). This variant is present in population databases (no rsID available, gnomAD 0.01%). This variant has not been reported in the literature in individuals affected with SMCHD1-related conditions. ClinVar contains an entry for this variant (Variation ID: 1059030). An algorithm developed to predict the effect of missense changes on protein structure and function (PolyPhen-2) suggests that this variant is likely to be tolerated. In summary, the available evidence is currently insufficient to determine the role of this variant in disease. Therefore, it has been classified as a Variant of Uncertain Significance.

Ambry Genetics
Classification: Uncertain significance for Inborn genetic diseases. Last evaluated: 2025-07-15. Review status: criteria provided, single submitter. Criteria: Ambry Variant Classification Scheme 2023. Collection method: clinical testing. Allele origin: germline.

Revvity Omics, Revvity
Classification: Uncertain significance. Last evaluated: 2020-06-16. Review status: criteria provided, single submitter. Criteria: ACMG Guidelines, 2015. Collection method: clinical testing. Allele origin: germline.

NM_015295.3(SMCHD1):c.160G>A (p.Ala54Thr)

Gene: SMCHD1 (structural maintenance of chromosomes flexible hinge domain containing 1; plus strand). Cytogenetic location: 18p11.32.
Variant type: single nucleotide variant.
Coding change: c.160G>A on transcript NM_015295.3 (MANE Select); coding-DNA position 160, G replaced by A.
Protein change: p.Ala54Thr; replaces alanine 54 with threonine.
Molecular consequence: missense variant.
Genome position (GRCh38, 1-based): chr18:2,656,235, G>A. VCF-style: chr18-2656235-G-A. GRCh37 (hg19) VCF-style: chr18-2656234-G-A.
Other names: c.160G>A (NM_015295.2); short protein forms A54T.
Identifiers: ClinVar variation 1059030 (VCV001059030.12), dbSNP rs1215654409, ClinGen allele CA401685284.